The following is an entry in ClinVar:

ClinVar aggregate classification (germline): Uncertain significance (1 of 4 stars; one submission).

Conditions:
NCOA1-related disorder. Also called: NCOA1-related condition.

Submission:

PreventionGenetics, part of Exact Sciences
Classification: Uncertain significance for NCOA1-related condition. Last evaluated: 2024-11-10. Review status: criteria provided, single submitter. Criteria: ACMG Guidelines, 2015. Collection method: clinical testing. Allele origin: germline.
Comment: The NCOA1 c.2200G>A variant is predicted to result in the amino acid substitution p.Glu734Lys. To our knowledge, this variant has not been reported in the literature or in a large population database (gnomAD), indicating this variant is rare. At this time, the clinical significance of this variant is uncertain due to the absence of conclusive functional and genetic evidence.

NM_003743.5(NCOA1):c.2200G>A (p.Glu734Lys)

Gene: NCOA1 (nuclear receptor coactivator 1; plus strand). Cytogenetic location: 2p23.3.
Variant type: single nucleotide variant.
Coding change: c.2200G>A on transcript NM_003743.5 (MANE Select); coding-DNA position 2200, G replaced by A.
Protein change: p.Glu734Lys; replaces glutamic acid 734 with lysine.
Molecular consequence: missense variant.
Genome position (GRCh38, 1-based): chr2:24,707,670, G>A. VCF-style: chr2-24707670-G-A. GRCh37 (hg19) VCF-style: chr2-24930539-G-A.
Other names: c.2200G>A, p.Glu734Lys (NM_001362950.1, NM_001362952.1, NM_001362954.1 and 3 more transcripts); short protein forms E734K.
Identifiers: ClinVar variation 5001194 (VCV005001194.1).